The following is an entry in ClinVar:

ClinVar aggregate classification (germline): Uncertain significance. Review status: criteria provided, multiple submitters, no conflicts (2 of 4 stars). 4 submissions from 4 submitters: Uncertain significance (3). 1 of the submissions does not count toward it. Last evaluated 2024-03-30.

Conditions:
Congenital myasthenic syndrome 17. Identifiers: Orphanet 590, MedGen C4225377, MONDO:0014578, OMIM 616304.
Sclerosteosis 2 (SOST2). Identifiers: Orphanet 3152, MedGen C3280402, MONDO:0013679, OMIM 614305.
Cenani-Lenz syndactyly syndrome. Also called: CENANI SYNDACTYLISM; SYNDACTYLY, TYPE VII. Identifiers: Orphanet 3258, MedGen C1859309, MONDO:0008931, OMIM 212780.

Allele frequency attached by ClinVar (database versions not stated): TOPMed 0.00001; gnomAD exomes below 0.00001.
gnomAD v4.1: 3 of 1,614,072 alleles (0.00019%); highest among the groups gnomAD compares: East Asian, 0.0022%; no homozygotes.

Submissions (4):

Fulgent Genetics
Classification: Uncertain significance for Cenani-Lenz syndactyly syndrome; Sclerosteosis 2; Congenital myasthenic syndrome 17. Last evaluated: 2024-03-30. Review status: criteria provided, single submitter. Criteria: ACMG Guidelines, 2015. Collection method: clinical testing. Allele origin: germline.

Labcorp Genetics (formerly Invitae), Labcorp
Classification: Uncertain significance for Cenani-Lenz syndactyly syndrome; Sclerosteosis 2; Congenital myasthenic syndrome 17. Last evaluated: 2021-05-11. Review status: criteria provided, single submitter. Criteria: Invitae Variant Classification Sherloc (09022015). Collection method: clinical testing. Allele origin: germline.
Comment: This sequence change replaces glutamic acid with lysine at codon 1233 of the LRP4 protein (p.Glu1233Lys). The glutamic acid residue is highly conserved and there is a small physicochemical difference between glutamic acid and lysine. This variant is not present in population databases (ExAC no frequency). This variant has been observed in individual(s) with congenital myasthenic syndrome (PMID: 24234652). ClinVar contains an entry for this variant (Variation ID: 189820). Experimental studies have shown that this variant affects LRP4 protein function (PMID: 24234652). In summary, the available evidence is currently insufficient to determine the role of this variant in disease. Therefore, it has been classified as a Variant of Uncertain Significance.

CENTOGENE GmbH and LLC - Guiding Precision Medicine
Classification: Uncertain significance for Congenital myasthenic syndrome 17. Last evaluated: 2021-04-14. Review status: criteria provided, single submitter. Criteria: ACMG Guidelines, 2015. Collection method: clinical testing. Allele origin: germline. Affected: yes.

OMIM
Classification: Pathogenic for MYASTHENIC SYNDROME, CONGENITAL, 17 (1 family). Last evaluated: 2014-04-01. Review status: no assertion criteria provided. Collection method: literature only. Allele origin: germline. Not counted in ClinVar's aggregate classification.

Literature cited by the submitters: PubMed 24234652 (cited by Labcorp Genetics (formerly Invitae), Labcorp and OMIM).

NM_002334.4(LRP4):c.3697G>A (p.Glu1233Lys)

Gene: LRP4 (LDL receptor related protein 4; minus strand). Cytogenetic location: 11p11.2.
Variant type: single nucleotide variant.
Coding change: c.3697G>A on transcript NM_002334.4 (MANE Select); coding-DNA position 3697, G replaced by A.
Protein change: p.Glu1233Lys; replaces glutamic acid 1233 with lysine.
Molecular consequence: missense variant.
Genome position (GRCh38, 1-based): chr11:46,875,806, C>T on the plus strand (G>A on the coding strand, the complement: LRP4 is on the minus strand). VCF-style: chr11-46875806-C-T. GRCh37 (hg19) VCF-style: chr11-46897357-C-T.
Other names: short protein forms E1233K.
Identifiers: ClinVar variation 189820 (VCV000189820.11), dbSNP rs786205153, ClinGen allele CA199514.
Genomic context (GRCh38, chr11:46,875,806, plus strand): 5'-AGGCAGGCCTTTCCCATCTTCCCAGGCTCCTGGGAAGCAGCAGGGACACGGCTCTCACCT[C>T]GGTGTGGGCATCGGCCCATAGCAGTTGGGAGCTGGCCTTGTCCACAGTCAGTCCATTGGG-3'
Protein context (NP_002325.2, residues 1223-1243): SQLLWADAHT[Glu1233Lys]RIEAADLNGA